The following is an entry in ClinVar:

NM_004525.3(LRP2):c.2638G>A (p.Ala880Thr)

Gene: LRP2 (LDL receptor related protein 2; minus strand). Cytogenetic location: 2q31.1.
Variant type: single nucleotide variant.
Coding change: c.2638G>A on transcript NM_004525.3 (MANE Select); coding-DNA position 2638, G replaced by A.
Protein change: p.Ala880Thr; replaces alanine 880 with threonine.
Molecular consequence: missense variant.
Genome position (GRCh38, 1-based): chr2:169,257,125, C>T on the plus strand (G>A on the coding strand, the complement: LRP2 is on the minus strand). VCF-style: chr2-169257125-C-T. GRCh37 (hg19) VCF-style: chr2-170113635-C-T.
Other names: short protein forms A880T.
Identifiers: ClinVar variation 1465630 (VCV001465630.5), dbSNP rs1273939007, ClinGen allele CA349156401.

ClinVar aggregate classification (germline): Uncertain significance (1 of 4 stars; one submission).

Allele frequency attached by ClinVar (database versions not stated): TOPMed 0.00001.

Submission:

Labcorp Genetics (formerly Invitae), Labcorp
Classification: Uncertain significance. Last evaluated: 2022-02-24. Review status: criteria provided, single submitter. Criteria: Invitae Variant Classification Sherloc (09022015). Collection method: clinical testing. Allele origin: germline.
Comment: This sequence change replaces alanine, which is neutral and non-polar, with threonine, which is neutral and polar, at codon 880 of the LRP2 protein (p.Ala880Thr). This variant is not present in population databases (gnomAD no frequency). This variant has not been reported in the literature in individuals affected with LRP2-related conditions. Algorithms developed to predict the effect of missense changes on protein structure and function (SIFT, PolyPhen-2, Align-GVGD) all suggest that this variant is likely to be tolerated. In summary, the available evidence is currently insufficient to determine the role of this variant in disease. Therefore, it has been classified as a Variant of Uncertain Significance.